The following continues an entry in ClinVar:

NM_020975.6(RET):c.1597G>A (p.Gly533Ser)

Gene: RET. ClinVar aggregate classification (germline): Conflicting classifications of pathogenicity. Uncertain significance (13); Likely benign (2).

Submissions 9 to 17 of 17:

Department of Pathology and Laboratory Medicine, Sinai Health System
Classification: Uncertain significance for Hirschsprung disease, susceptibility to, 1; Familial medullary thyroid carcinoma; Multiple endocrine neoplasia type 2B; Pheochromocytoma; Multiple endocrine neoplasia type 2A. Last evaluated: 2022-08-12. Review status: criteria provided, single submitter. Criteria: ACMG Guidelines, 2015. Collection method: research. Allele origin: germline.

Ambry Genetics
Classification: Likely benign for Hereditary cancer-predisposing syndrome. Last evaluated: 2020-09-22. Review status: criteria provided, single submitter. Criteria: Ambry Variant Classification Scheme 2023. Collection method: clinical testing. Allele origin: germline.

Mendelics
Classification: Uncertain significance for Multiple endocrine neoplasia type 2A. Last evaluated: 2019-05-28. Review status: criteria provided, single submitter. Criteria: Mendelics Assertion Criteria 2017. Collection method: clinical testing. Allele origin: unknown.

Illumina Laboratory Services, Illumina
Classification: Uncertain significance for Hirschsprung disease, susceptibility to, 1. Last evaluated: 2017-04-27. Review status: criteria provided, single submitter. Criteria: ICSL Variant Classification Criteria 13 December 2019. Collection method: clinical testing. Allele origin: germline.

Illumina Laboratory Services, Illumina
Classification: Uncertain significance for Pheochromocytoma. Last evaluated: 2017-04-27. Review status: criteria provided, single submitter. Criteria: ICSL Variant Classification Criteria 13 December 2019. Collection method: clinical testing. Allele origin: germline.

Illumina Laboratory Services, Illumina
Classification: Uncertain significance for Multiple endocrine neoplasia. Last evaluated: 2017-04-27. Review status: criteria provided, single submitter. Criteria: ICSL Variant Classification Criteria 13 December 2019. Collection method: clinical testing. Allele origin: germline.

Illumina Laboratory Services, Illumina
Classification: Uncertain significance for Renal hypodysplasia/aplasia 1. Last evaluated: 2017-04-27. Review status: criteria provided, single submitter. Criteria: ICSL Variant Classification Criteria 13 December 2019. Collection method: clinical testing. Allele origin: germline.

Counsyl
Classification: Uncertain significance for Multiple endocrine neoplasia type 2B. Last evaluated: 2015-12-10. Review status: no assertion criteria provided. Collection method: clinical testing. Allele origin: unknown. Not counted in ClinVar's aggregate classification.

Counsyl
Classification: Uncertain significance for Multiple endocrine neoplasia type 2A. Last evaluated: 2015-12-10. Review status: no assertion criteria provided. Collection method: clinical testing. Allele origin: unknown. Not counted in ClinVar's aggregate classification.

Literature cited by the submitters: PubMed 22517557 (cited by 4 submitters); PubMed 23084198 (cited by 5 submitters); PubMed 26395553 (cited by 4 submitters); PubMed 14602786 (cited by Labcorp Genetics (formerly Invitae), Labcorp); PubMed 16649977 (cited by Labcorp Genetics (formerly Invitae), Labcorp); PubMed 18805915 (cited by Labcorp Genetics (formerly Invitae), Labcorp); PubMed 22676047 (cited by Labcorp Genetics (formerly Invitae), Labcorp); PubMed 23461807 (cited by Labcorp Genetics (formerly Invitae), Labcorp); PubMed 17009072 (cited by 4 submitters); PubMed 32761341 (cited by Mayo Clinic Laboratories, Mayo Clinic); PubMed 34979951 (cited by Mayo Clinic Laboratories, Mayo Clinic); PubMed 2639553 (cited by Color Diagnostics, LLC DBA Color Health); PubMed 27153395 (cited by Ambry Genetics); PubMed 21479187 (cited by Counsyl).